The following is an entry in ClinVar:

NM_000361.3(THBD):c.271C>A (p.Gln91Lys)

Gene: THBD (thrombomodulin; minus strand). Cytogenetic location: 20p11.21.
Variant type: single nucleotide variant.
Coding change: c.271C>A on transcript NM_000361.3 (MANE Select); coding-DNA position 271, C replaced by A.
Protein change: p.Gln91Lys; replaces glutamine 91 with lysine.
Molecular consequence: missense variant.
Genome position (GRCh38, 1-based): chr20:23,049,234, G>T on the plus strand (C>A on the coding strand, the complement: THBD is on the minus strand). VCF-style: chr20-23049234-G-T. GRCh37 (hg19) VCF-style: chr20-23029871-G-T.
Other names: short protein forms Q91K.
Identifiers: ClinVar variation 3680766 (VCV003680766.2).

ClinVar aggregate classification (germline): Uncertain significance (1 of 4 stars; one submission).

Submission:

Labcorp Genetics (formerly Invitae), Labcorp
Classification: Uncertain significance. Last evaluated: 2024-09-19. Review status: criteria provided, single submitter. Criteria: Invitae Variant Classification Sherloc (09022015). Collection method: clinical testing. Allele origin: germline.
Comment: This sequence change replaces glutamine, which is neutral and polar, with lysine, which is basic and polar, at codon 91 of the THBD protein (p.Gln91Lys). This variant is present in population databases (no rsID available, gnomAD 0.02%). This variant has not been reported in the literature in individuals affected with THBD-related conditions. Invitae Evidence Modeling of protein sequence and biophysical properties (such as structural, functional, and spatial information, amino acid conservation, physicochemical variation, residue mobility, and thermodynamic stability) indicates that this missense variant is not expected to disrupt THBD protein function with a negative predictive value of 80%. In summary, the available evidence is currently insufficient to determine the role of this variant in disease. Therefore, it has been classified as a Variant of Uncertain Significance.